The following is an entry in ClinVar:

ClinVar aggregate classification (germline): Uncertain significance (1 of 4 stars; one submission).

Conditions:
Familial adenomatous polyposis 1 (FAP1). Also called: FAMILIAL ADENOMATOUS POLYPOSIS 1, ATTENUATED; POLYPOSIS, ADENOMATOUS INTESTINAL. Identifiers: MedGen C2713442, MONDO:0021056, OMIM 175100. Disease mechanism: loss of function.

Submission:

Labcorp Genetics (formerly Invitae), Labcorp
Classification: Uncertain significance for Familial adenomatous polyposis 1. Last evaluated: 2025-05-22. Review status: criteria provided, single submitter. Criteria: Invitae Variant Classification Sherloc (09022015). Collection method: clinical testing. Allele origin: germline.
Comment: This sequence change replaces serine, which is neutral and polar, with threonine, which is neutral and polar, at codon 107 of the APC protein (p.Ser107Thr). This variant is not present in population databases (gnomAD no frequency). This variant has not been reported in the literature in individuals affected with APC-related conditions. Invitae Evidence Modeling of protein sequence and biophysical properties (such as structural, functional, and spatial information, amino acid conservation, physicochemical variation, residue mobility, and thermodynamic stability) indicates that this missense variant is not expected to disrupt APC protein function with a negative predictive value of 95%. In summary, the available evidence is currently insufficient to determine the role of this variant in disease. Therefore, it has been classified as a Variant of Uncertain Significance.

NM_000038.6(APC):c.319T>A (p.Ser107Thr)

Gene: APC (APC regulator of Wnt signaling pathway; plus strand). Cytogenetic location: 5q22.2.
Variant type: single nucleotide variant.
Coding change: c.319T>A on transcript NM_000038.6 (MANE Select); coding-DNA position 319, T replaced by A.
Protein change: p.Ser107Thr; replaces serine 107 with threonine.
Molecular consequence: missense variant. On other transcripts: 5 prime UTR variant (4), non-coding transcript variant (2).
Genome position (GRCh38, 1-based): chr5:112,767,287, T>A. VCF-style: chr5-112767287-T-A. GRCh37 (hg19) VCF-style: chr5-112102984-T-A.
Other names: c.319T>A, p.Ser107Thr (NM_001127510.3, NM_001354895.2, NM_001354896.2 and 16 more transcripts); c.349T>A, p.Ser117Thr (NM_001127511.3, NM_001354897.2, NM_001354902.2 and 1 more transcripts); c.244T>A, p.Ser82Thr (NM_001354898.2, NM_001354904.2, NM_001407451.1); c.142T>A, p.Ser48Thr (NM_001354900.2, NM_001354901.2, NM_001354905.2 and 1 more transcripts); c.-717T>A (NM_001354906.2, NM_001407470.1, NM_001407471.1 and 1 more transcripts); short protein forms S107T, S117T, S48T, S82T.
Identifiers: ClinVar variation 4801432 (VCV004801432.1).